The following is an entry in ClinVar:

ClinVar aggregate classification (germline): Pathogenic (1 of 4 stars; one submission).

Conditions:
Rubinstein-Taybi syndrome (RSTS). Identifiers: Orphanet 783, MedGen C0035934, MONDO:0019188.

Submission:

Labcorp Genetics (formerly Invitae), Labcorp
Classification: Pathogenic for Rubinstein-Taybi syndrome. Last evaluated: 2019-10-01. Review status: criteria provided, single submitter. Criteria: Invitae Variant Classification Sherloc (09022015). Collection method: clinical testing. Allele origin: germline.
Comment: This sequence change results in a premature translational stop signal in the CREBBP gene (p.Gln2135Leufs*9). While this is not anticipated to result in nonsense mediated decay, it is expected to disrupt the last 308 amino acids of the CREBBP protein. This variant is not present in population databases (ExAC no frequency). This variant has been observed in individual(s) with clinical features of Rubenstein-Taybi syndrome (Invitae). In at least one individual the variant was observed to be de novo. For these reasons, this variant has been classified as Pathogenic.

NM_004380.3(CREBBP):c.6404delinsTGC (p.Gln2135fs)

Gene: CREBBP (CREB binding lysine acetyltransferase; minus strand). Cytogenetic location: 16p13.3.
Variant type: Indel.
Coding change: c.6404delinsTGC on transcript NM_004380.3 (MANE Select); coding-DNA position 6404, A replaced by TGC.
Protein change: p.Gln2135fs; shifts the reading frame from glutamine 2135.
Molecular consequence: frameshift variant.
Genome position (GRCh38, 1-based): chr16:3,728,643, T replaced by GCA on the plus strand (A replaced by TGC on the coding strand, the reverse complement: CREBBP is on the minus strand). VCF-style: chr16-3728643-T-GCA. GRCh37 (hg19) VCF-style: chr16-3778644-T-GCA.
Other names: c.6290delinsTGC, p.Gln2097fs (NM_001079846.1); short protein forms Q2135fs, Q2097fs.
Identifiers: ClinVar variation 969638 (VCV000969638.1), dbSNP rs2051819669, ClinGen allele CA1139664466.